The following is an entry in ClinVar:

ClinVar aggregate classification (germline): Likely benign (1 of 4 stars; one submission).

gnomAD v4.1: 23 of 1,546,776 alleles (0.0015%); highest among the groups gnomAD compares: South Asian, 0.02%; no homozygotes.

Submission:

CeGaT Center for Human Genetics Tuebingen
Classification: Likely benign. Last evaluated: 2025-06-01. Review status: criteria provided, single submitter. Criteria: CeGaT Center For Human Genetics Tuebingen Variant Classification Criteria Version 2. Collection method: clinical testing. Allele origin: germline. Affected: yes. Observed: 1 variant allele.
Comment: CDC37L1: BP4, BP7

NM_017913.4(CDC37L1):c.531T>C (p.Asp177=)

Gene: CDC37L1 (cell division cycle 37 like 1, HSP90 cochaperone; plus strand). Cytogenetic location: 9p24.1.
Variant type: single nucleotide variant.
Coding change: c.531T>C on transcript NM_017913.4 (MANE Select); coding-DNA position 531, T replaced by C.
Protein change: p.Asp177=; no amino-acid change (aspartic acid 177 retained).
Molecular consequence: synonymous variant.
Genome position (GRCh38, 1-based): chr9:4,697,118, T>C. VCF-style: chr9-4697118-T-C. GRCh37 (hg19) VCF-style: chr9-4697118-T-C.
Identifiers: ClinVar variation 3905965 (VCV003905965.10).